The following is an entry in ClinVar:

NM_001365951.3(KIF1B):c.4590A>T (p.Leu1530Phe)

Gene: KIF1B (kinesin family member 1B; plus strand). Cytogenetic location: 1p36.22.
Variant type: single nucleotide variant.
Coding change: c.4590A>T on transcript NM_001365951.3 (MANE Select); coding-DNA position 4590, A replaced by T.
Protein change: p.Leu1530Phe; replaces leucine 1530 with phenylalanine.
Molecular consequence: missense variant.
Genome position (GRCh38, 1-based): chr1:10,365,486, A>T. VCF-style: chr1-10365486-A-T. GRCh37 (hg19) VCF-style: chr1-10425544-A-T.
Other names: c.4590A>T, p.Leu1530Phe (NM_001365952.1); c.4452A>T, p.Leu1484Phe (NM_015074.3); short protein forms L1484F, L1530F.
Identifiers: ClinVar variation 1017660 (VCV001017660.12), dbSNP rs751046833, ClinGen allele CA582132.

ClinVar aggregate classification (germline): Uncertain significance. Review status: criteria provided, multiple submitters, no conflicts (2 of 4 stars). 2 submissions from 2 submitters: Uncertain significance (2). Last evaluated 2025-11-01.

Conditions:
Charcot-Marie-Tooth disease type 2. Also called: Charcot-Marie-Tooth type 2. Identifiers: Orphanet 64746, MedGen C0270914, MONDO:0018993.

Allele frequency attached by ClinVar (database versions not stated): ExAC 0.00001; gnomAD 0.00002; TOPMed below 0.00001; gnomAD exomes below 0.00001.
gnomAD v4.1: 11 of 1,613,926 alleles (0.00068%); highest among the groups gnomAD compares: African/African-American, 0.0093%; no homozygotes.

Submissions (2):

Labcorp Genetics (formerly Invitae), Labcorp
Classification: Uncertain significance for Charcot-Marie-Tooth disease type 2. Last evaluated: 2025-11-01. Review status: criteria provided, single submitter. Criteria: Invitae Variant Classification Sherloc (09022015). Collection method: clinical testing. Allele origin: germline.
Comment: This sequence change replaces leucine, which is neutral and non-polar, with phenylalanine, which is neutral and non-polar, at codon 1484 of the KIF1B protein (p.Leu1484Phe). This variant is present in population databases (rs751046833, gnomAD 0.01%). This variant has not been reported in the literature in individuals affected with KIF1B-related conditions. ClinVar contains an entry for this variant (Variation ID: 1017660). An algorithm developed to predict the effect of missense changes on protein structure and function (PolyPhen-2) suggests that this variant is likely to be tolerated. Algorithms developed to predict the effect of sequence changes on RNA splicing suggest that this variant may disrupt the consensus splice site. In summary, the available evidence is currently insufficient to determine the role of this variant in disease. Therefore, it has been classified as a Variant of Uncertain Significance.

Ambry Genetics
Classification: Uncertain significance. Last evaluated: 2024-06-10. Review status: criteria provided, single submitter. Criteria: Ambry Variant Classification Scheme 2023. Collection method: clinical testing. Allele origin: germline.
Comment: The p.L1484F variant (also known as c.4452A>T), located in coding exon 40 of the KIF1B gene, results from an A to T substitution at nucleotide position 4452. The leucine at codon 1484 is replaced by phenylalanine, an amino acid with highly similar properties. This amino acid position is highly conserved in available vertebrate species. In addition, this alteration is predicted to be tolerated by in silico analysis. The evidence for this gene-disease relationship is limited; therefore, the clinical significance of this alteration is unclear.